The following is an entry in ClinVar:

NM_000321.3(RB1):c.920C>G (p.Thr307Arg)

Gene: RB1 (RB transcriptional corepressor 1; plus strand). Cytogenetic location: 13q14.2.
Variant type: single nucleotide variant.
Coding change: c.920C>G on transcript NM_000321.3 (MANE Select); coding-DNA position 920, C replaced by G.
Protein change: p.Thr307Arg; replaces threonine 307 with arginine.
Molecular consequence: missense variant.
Genome position (GRCh38, 1-based): chr13:48,364,952, C>G. VCF-style: chr13-48364952-C-G. GRCh37 (hg19) VCF-style: chr13-48939088-C-G.
Other names: c.920C>G, p.Thr307Arg (NM_001407165.1, NM_001407166.1); short protein forms T307R.
Identifiers: ClinVar variation 1766196 (VCV001766196.2), dbSNP rs183898408, ClinGen allele CA388160039.

ClinVar aggregate classification (germline): Uncertain significance (1 of 4 stars; one submission).

Conditions:
Hereditary cancer-predisposing syndrome. Also called: Neoplastic Syndromes, Hereditary; Tumor predisposition; Hereditary Cancer Syndrome; Hereditary neoplastic syndrome. Identifiers: Orphanet 140162, MedGen C0027672, MeSH D009386, MONDO:0015356.

Submission:

Ambry Genetics
Classification: Uncertain significance for Hereditary cancer-predisposing syndrome. Last evaluated: 2020-05-21. Review status: criteria provided, single submitter. Criteria: Ambry Variant Classification Scheme 2023. Collection method: clinical testing. Allele origin: germline.
Comment: The p.T307R variant (also known as c.920C>G), located in coding exon 9 of the RB1 gene, results from a C to G substitution at nucleotide position 920. The threonine at codon 307 is replaced by arginine, an amino acid with similar properties. This amino acid position is poorly conserved in available vertebrate species. In addition, this alteration is predicted to be tolerated by in silico analysis. Since supporting evidence is limited at this time, the clinical significance of this alteration remains unclear.